The following is an entry in ClinVar:

NM_014846.4(WASHC5):c.2836G>A (p.Glu946Lys)

Genes: WASHC5 (WASH complex subunit 5; minus strand), WASHC5-AS1 (WASHC5 antisense RNA 1; plus strand). Cytogenetic location: 8q24.13.
Variant type: single nucleotide variant.
Coding change: c.2836G>A on transcript NM_014846.4 (MANE Select); coding-DNA position 2836, G replaced by A.
Protein change: p.Glu946Lys; replaces glutamic acid 946 with lysine.
Molecular consequence: missense variant.
Genome position (GRCh38, 1-based): chr8:125,043,839, C>T on the plus strand (G>A on the coding strand, the complement: WASHC5 is on the minus strand). VCF-style: chr8-125043839-C-T. GRCh37 (hg19) VCF-style: chr8-126056081-C-T.
Other names: c.2392G>A, p.Glu798Lys (NM_001330609.2); short protein forms E798K, E946K.
Identifiers: ClinVar variation 2230355 (VCV002230355.6), dbSNP rs534139966, ClinGen allele CA4873423.

ClinVar aggregate classification (germline): Conflicting classifications of pathogenicity. Review status: criteria provided, conflicting classifications (1 of 4 stars). 4 submissions from 4 submitters: Uncertain significance (3); Likely benign (1). Last evaluated 2025-06-05.

Conditions:
Inborn genetic diseases. Identifiers: MedGen C0950123, MeSH D030342.
Ritscher-Schinzel syndrome 1 (RTSC1). Identifiers: Orphanet 7, MedGen C4551776, MONDO:0009073, OMIM 220210.
WASHC5-related disorder. Also called: WASHC5-related condition.
Ritscher-Schinzel syndrome. Also called: CRANIOCEREBELLOCARDIAC DYSPLASIA. Identifiers: Orphanet 7, MedGen C0796137, MONDO:0019078.
Hereditary spastic paraplegia 8 (SPG8). Also called: SPASTIC PARAPLEGIA 8, AUTOSOMAL DOMINANT. Identifiers: Orphanet 100989, MedGen C1863704, MONDO:0011339, OMIM 603563.

Allele frequency attached by ClinVar (database versions not stated): TOPMed below 0.00001; ExAC 0.00001; gnomAD 0.00001; 1000 Genomes Project 30x 0.00016; 1000 Genomes Project 0.00020.
gnomAD v4.1: 10 of 1,609,626 alleles (0.00062%); highest among the groups gnomAD compares: East Asian, 0.0022%; no homozygotes.

Submissions (4):

PreventionGenetics, part of Exact Sciences
Classification: Uncertain significance for WASHC5-related condition. Last evaluated: 2025-06-05. Review status: criteria provided, single submitter. Criteria: ACMG Guidelines, 2015. Collection method: clinical testing. Allele origin: germline.
Comment: The WASHC5 c.2836G>A variant is predicted to result in the amino acid substitution p.Glu946Lys. To our knowledge, this variant has not been reported in the literature. This variant is reported in 0.0050% of alleles in individuals of East Asian descent in gnomAD. At this time, the clinical significance of this variant is uncertain due to the absence of conclusive functional and genetic evidence.

3billion
Classification: Likely benign for Ritscher-Schinzel syndrome 1. Last evaluated: 2024-09-20. Review status: criteria provided, single submitter. Criteria: ACMG Guidelines, 2015. Collection method: clinical testing. Allele origin: germline. Affected: no.
Comment: The homozygous variant was found in patients diagnosed with another variant in a different gene, with no symptoms related to the gene containing the homozygous variant.

Labcorp Genetics (formerly Invitae), Labcorp
Classification: Uncertain significance for Ritscher-Schinzel syndrome; Hereditary spastic paraplegia 8. Last evaluated: 2024-03-17. Review status: criteria provided, single submitter. Criteria: Invitae Variant Classification Sherloc (09022015). Collection method: clinical testing. Allele origin: germline.
Comment: This sequence change replaces glutamic acid, which is acidic and polar, with lysine, which is basic and polar, at codon 946 of the WASHC5 protein (p.Glu946Lys). This variant is present in population databases (rs534139966, gnomAD 0.005%). This variant has not been reported in the literature in individuals affected with WASHC5-related conditions. ClinVar contains an entry for this variant (Variation ID: 2230355). Advanced modeling of protein sequence and biophysical properties (such as structural, functional, and spatial information, amino acid conservation, physicochemical variation, residue mobility, and thermodynamic stability) performed at Invitae indicates that this missense variant is not expected to disrupt WASHC5 protein function with a negative predictive value of 80%. In summary, the available evidence is currently insufficient to determine the role of this variant in disease. Therefore, it has been classified as a Variant of Uncertain Significance.

Ambry Genetics
Classification: Uncertain significance for Inborn genetic diseases. Last evaluated: 2021-04-07. Review status: criteria provided, single submitter. Criteria: Ambry Variant Classification Scheme 2023. Collection method: clinical testing. Allele origin: germline.